The following is an entry in ClinVar:

ClinVar aggregate classification (germline): Uncertain significance (1 of 4 stars; one submission).

Submission:

GeneDx
Classification: Uncertain significance. Last evaluated: 2021-05-18. Review status: criteria provided, single submitter. Criteria: GeneDx Variant Classification Process June 2021. Collection method: clinical testing. Allele origin: germline. Affected: yes.
Comment: Not observed in large population cohorts (Lek et al., 2016); Nonsense variant predicted to result in protein truncation or nonsense mediated decay in a gene for which loss-of-function is not a known mechanism of disease; Has not been previously published as pathogenic or benign to our knowledge

NM_001148.6(ANK2):c.4603A>T (p.Lys1535Ter)

Gene: ANK2 (ankyrin 2; plus strand). Cytogenetic location: 4q26.
Variant type: single nucleotide variant.
Coding change: c.4603A>T on transcript NM_001148.6 (MANE Select); coding-DNA position 4603, A replaced by T.
Protein change: p.Lys1535Ter; replaces lysine 1535 with a stop codon.
Molecular consequence: nonsense. On other transcripts: intron variant (68).
Genome position (GRCh38, 1-based): chr4:113,353,221, A>T. VCF-style: chr4-113353221-A-T. GRCh37 (hg19) VCF-style: chr4-114274377-A-T.
Other names: c.4369A>T, p.Lys1457Ter (NM_001386142.1); c.1003A>T, p.Lys335Ter (NM_001386166.1); c.4744A>T, p.Lys1582Ter (NM_001386174.1); c.4720A>T, p.Lys1574Ter (NM_001386175.1); c.4411+2972A>T (NM_001386186.2, NM_001386148.2); c.4213+2972A>T (NM_001354269.3); c.4291+2972A>T (NM_001386187.2); c.4252+2972A>T (NM_001386147.1); and 35 more; short protein forms K1457*, K1535*, K1574*, K1582*, K335*.
Identifiers: ClinVar variation 1318917 (VCV001318917.2), dbSNP rs2154015857, ClinGen allele CA357915128.